The following is an entry in ClinVar:

ClinVar aggregate classification (germline): Conflicting classifications of pathogenicity. Review status: criteria provided, conflicting classifications (1 of 4 stars). 8 submissions from 8 submitters: Uncertain significance (3); Likely benign (5). Last evaluated 2025-11-12.

Conditions:
Dilated cardiomyopathy 1KK (CMD1KK). Identifiers: Orphanet 154, Orphanet 75249, MedGen C3714995, MONDO:0014100, OMIM 615248.
Arrhythmogenic right ventricular cardiomyopathy (ARVD). Also called: Arrhythmogenic cardiomyopathy; Cardiomyopathy, ARVC; Arrhythmogenic right ventricular dysplasia; Arrhythmogenic Right Ventricular Cardiomyopathy (ARVC). Identifiers: Orphanet 247, MedGen C0349788, MeSH D019571, MONDO:0016587. Disease mechanism: loss of function. Inheritance: Various modes of inheritance.
Cardiovascular phenotype. Identifiers: MedGen CN230736.
MYPN-related disorder. Also called: MYPN-related condition.

Allele frequency attached by ClinVar (database versions not stated): ExAC 0.00009; TOPMed 0.00005; gnomAD 0.00007; gnomAD exomes 0.00007 and 0.00008.
gnomAD v4.1: 123 of 1,614,088 alleles (0.0076%); highest among the groups gnomAD compares: Middle Eastern, 0.049%; no homozygotes.

Submissions (8):

PreventionGenetics, part of Exact Sciences
Classification: Uncertain significance for MYPN-related condition. Last evaluated: 2025-11-12. Review status: criteria provided, single submitter. Criteria: ACMG Guidelines, 2015. Collection method: clinical testing. Allele origin: germline.
Comment: The MYPN c.140C>T variant is predicted to result in the amino acid substitution p.Pro47Leu. This variant has been reported in an individual with dilated cardiomyopathy (Table S3, Mazzarotto et al. 2020. PubMed ID: 31983221). This variant has also been reported not to segregate with the disease in a family and has been classified as likely benign (Case #4, Hellenthal et al. 2017. PubMed ID: 29016939). This variant is reported in 0.013% of alleles in individuals of European (Non-Finnish) descent in gnomAD. At this time, the clinical significance of this variant is uncertain due to the absence of conclusive functional and genetic evidence.

Mayo Clinic Laboratories, Mayo Clinic
Classification: Likely benign. Last evaluated: 2025-09-04. Review status: criteria provided, single submitter. Criteria: ACMG Guidelines, 2015. Collection method: clinical testing. Allele origin: germline. Observed: 1 variant allele.
Comment: BS1, BP4_moderate

Blueprint Genetics
Classification: Likely benign. Last evaluated: 2024-11-21. Review status: criteria provided, single submitter. Criteria: ACMG Guidelines, 2015. Collection method: clinical testing. Allele origin: germline.

Labcorp Genetics (formerly Invitae), Labcorp
Classification: Uncertain significance for Dilated cardiomyopathy 1KK. Last evaluated: 2024-11-15. Review status: criteria provided, single submitter. Criteria: Invitae Variant Classification Sherloc (09022015). Collection method: clinical testing. Allele origin: germline.
Comment: This sequence change replaces proline, which is neutral and non-polar, with leucine, which is neutral and non-polar, at codon 47 of the MYPN protein (p.Pro47Leu). This variant is present in population databases (rs777446804, gnomAD 0.01%). This missense change has been observed in individual(s) with dilated cardiomyopathy (PMID: 31983221). ClinVar contains an entry for this variant (Variation ID: 647683). An algorithm developed to predict the effect of missense changes on protein structure and function outputs the following: PolyPhen-2: "Benign". The leucine amino acid residue is found in multiple mammalian species, which suggests that this missense change does not adversely affect protein function. In summary, the available evidence is currently insufficient to determine the role of this variant in disease. Therefore, it has been classified as a Variant of Uncertain Significance.

Ambry Genetics
Classification: Likely benign for Cardiovascular phenotype. Last evaluated: 2023-12-04. Review status: criteria provided, single submitter. Criteria: Ambry Variant Classification Scheme 2023. Collection method: clinical testing. Allele origin: germline.

CeGaT Center for Human Genetics Tuebingen
Classification: Likely benign. Last evaluated: 2022-11-01. Review status: criteria provided, single submitter. Criteria: CeGaT Center For Human Genetics Tuebingen Variant Classification Criteria Version 2. Collection method: clinical testing. Allele origin: germline. Affected: yes. Observed: 1 variant allele.
Comment: MYPN: BP4

Revvity Omics, Revvity
Classification: Uncertain significance. Last evaluated: 2021-10-27. Review status: criteria provided, single submitter. Criteria: ACMG Guidelines, 2015. Collection method: clinical testing. Allele origin: germline.

Center for Advanced Laboratory Medicine, UC San Diego Health, University of California San Diego
Classification: Likely benign for Arrhythmogenic right ventricular cardiomyopathy. Last evaluated: 2019-04-09. Review status: criteria provided, single submitter. Criteria: ACMG Guidelines, 2015. Collection method: clinical testing. Allele origin: germline. Affected: yes. Observed: 1 variant allele.

Literature cited by the submitters: PubMed 31983221 (cited by Mayo Clinic Laboratories, Mayo Clinic and Labcorp Genetics (formerly Invitae), Labcorp); PubMed 29016939 (cited by Ambry Genetics).

NM_032578.4(MYPN):c.140C>T (p.Pro47Leu)

Gene: MYPN (myopalladin; plus strand). Cytogenetic location: 10q21.3.
Variant type: single nucleotide variant.
Coding change: c.140C>T on transcript NM_032578.4 (MANE Select); coding-DNA position 140, C replaced by T.
Protein change: p.Pro47Leu; replaces proline 47 with leucine.
Molecular consequence: missense variant. On other transcripts: 5 prime UTR variant (1), non-coding transcript variant (1).
Genome position (GRCh38, 1-based): chr10:68,121,578, C>T. VCF-style: chr10-68121578-C-T. GRCh37 (hg19) VCF-style: chr10-69881335-C-T.
Other names: p.Pro47Leu; c.140C>T, p.Pro47Leu (NM_001256267.2); c.-983C>T (NM_001256268.2); short protein forms P47L.
Identifiers: ClinVar variation 647683 (VCV000647683.50), dbSNP rs777446804, ClinGen allele CA5522234.